The following is an entry in ClinVar:

NM_001350451.2(RBFOX3):c.22G>A (p.Ala8Thr)

Gene: RBFOX3 (RNA binding fox-1 homolog 3; minus strand). Cytogenetic location: 17q25.3.
Variant type: single nucleotide variant.
Coding change: c.22G>A on transcript NM_001350451.2 (MANE Select); coding-DNA position 22, G replaced by A.
Protein change: p.Ala8Thr; replaces alanine 8 with threonine.
Molecular consequence: missense variant.
Genome position (GRCh38, 1-based): chr17:79,115,694, C>T on the plus strand (G>A on the coding strand, the complement: RBFOX3 is on the minus strand). VCF-style: chr17-79115694-C-T. GRCh37 (hg19) VCF-style: chr17-77111776-C-T.
Other names: c.22G>A, p.Ala8Thr (NM_001082575.3, NM_001350453.2, NM_001385804.1 and 43 more transcripts); c.22G>A (NM_001082575.1); short protein forms A8T.
Identifiers: ClinVar variation 1366696 (VCV001366696.9), dbSNP rs1299842245, ClinGen allele CA401318263.
Genomic context (GRCh38, chr17:79,115,694, plus strand): 5'-GCGGTGGGGGCGGGGCGTACTCGGCAGGGATGCCGTTCTGTGGCGGAGGGGGGTACTGGG[C>T]GGGGGGGTAGGGCTGGGCCATCGCTTCAGGCGGAGCCGTGGCGTCCTGATCGCTCTGTGG-3'
Protein context (NP_001337380.1, residues 1-18): MAQPYPP[Ala8Thr]QYPPPPQNGI

ClinVar aggregate classification (germline): Uncertain significance. Review status: criteria provided, multiple submitters, no conflicts (2 of 4 stars). 2 submissions from 2 submitters: Uncertain significance (2). Last evaluated 2025-12-08.

Conditions:
Idiopathic generalized epilepsy. Also called: Generalised epilepsy; EIG. Identifiers: MedGen C0270850, MONDO:0005579, OMIM 600669.

Allele frequency attached by ClinVar (database versions not stated): gnomAD exomes 0.00017; gnomAD 0.00029 and 0.00030.
gnomAD v4.1: 28 of 148,030 alleles (0.019%); highest among the groups gnomAD compares: Non-Finnish European, 0.025%; no homozygotes.

Submissions (2):

Labcorp Genetics (formerly Invitae), Labcorp
Classification: Uncertain significance for Idiopathic generalized epilepsy. Last evaluated: 2025-12-08. Review status: criteria provided, single submitter. Criteria: Invitae Variant Classification Sherloc (09022015). Collection method: clinical testing. Allele origin: germline.
Comment: This sequence change replaces alanine, which is neutral and non-polar, with threonine, which is neutral and polar, at codon 8 of the RBFOX3 protein (p.Ala8Thr). The frequency data for this variant in the population databases is considered unreliable, as metrics indicate poor data quality at this position in the gnomAD database. This variant has not been reported in the literature in individuals affected with RBFOX3-related conditions. ClinVar contains an entry for this variant (Variation ID: 1366696). Invitae Evidence Modeling of protein sequence and biophysical properties (such as structural, functional, and spatial information, amino acid conservation, physicochemical variation, residue mobility, and thermodynamic stability) indicates that this missense variant is not expected to disrupt RBFOX3 protein function with a negative predictive value of 80%. In summary, the available evidence is currently insufficient to determine the role of this variant in disease. Therefore, it has been classified as a Variant of Uncertain Significance.

Ambry Genetics
Classification: Uncertain significance. Last evaluated: 2025-08-01. Review status: criteria provided, single submitter. Criteria: Ambry Variant Classification Scheme 2023. Collection method: clinical testing. Allele origin: germline.